The following is an entry in ClinVar:

NM_000169.3(GLA):c.359_361delinsCAA (p.Leu120_Ala121delinsProThr)

Genes: RPL36A-HNRNPH2 (RPL36A-HNRNPH2 readthrough; plus strand), GLA (galactosidase alpha; minus strand). Cytogenetic location: Xq22.1.
Variant type: Indel.
Coding change: c.359_361delinsCAA on transcript NM_000169.3 (MANE Select); coding-DNA positions 359 to 361, TAG replaced by CAA.
Protein change: p.Leu120_Ala121delinsProThr.
Molecular consequence: missense variant. On other transcripts: non-coding transcript variant (3), intron variant (2).
Genome position (GRCh38, 1-based): chrX:101,403,819-101,403,821, CTA replaced by TTG on the plus strand (TAG replaced by CAA on the coding strand, the reverse complement: GLA is on the minus strand). VCF-style: chrX-101403819-CTA-TTG. GRCh37 (hg19) VCF-style: chrX-100658807-CTA-TTG.
Other names: c.482_484delinsCAA, p.Leu161_Ala162delinsProThr (NM_001406747.1, NM_001406749.1); c.359_361delinsCAA, p.Leu120_Ala121delinsProThr (NM_001406748.1); c.301-8117_301-8115delinsTTG (NM_001199973.2); c.178-8117_178-8115delinsTTG (NM_001199974.2).
Identifiers: ClinVar variation 4263964 (VCV004263964.1).
Genomic context (GRCh38, chrX:101,403,819, plus strand): 5'-CAGAAGTGCTTACAGTCCTCTGAATGAACAAGAACATTATCTATAAACTCACATAATTAG[CTA>TTG]GCTGGCGAATCCCATGAGGAAAGCGCTGAGGGTCTGCCTGAAGTCTGCCTTCTGAATCTC-3'

ClinVar aggregate classification (germline): Likely pathogenic (1 of 4 stars; one submission).

Conditions:
Cardiovascular phenotype. Identifiers: MedGen CN230736.

Submission:

Ambry Genetics
Classification: Likely pathogenic for Cardiovascular phenotype. Last evaluated: 2025-09-05. Review status: criteria provided, single submitter. Criteria: Ambry Variant Classification Scheme 2023. Collection method: clinical testing. Allele origin: germline.
Comment: The c.359_361delTAGinsCAA variant (also known as p.L120_A121delinsPT), located in coding exon 2 of the GLA gene, results from an in-frame deletion of TAG and insertion of CAA at nucleotide positions 359 to 361. This results in the substitution of the leucine and alanine residues for proline and threonine residues at codons 120 and 121, respectively. This variant was reported in individual(s) with features consistent with Fabry disease (Blaydon D et al. Hum Mutat, 2001 Nov;18:459; Germain DP et al. J Med Genet, 2015 May;52:353-8; Ambry internal data). In assays testing GLA function, this variant showed a functionally abnormal result (Benjamin ER et al. Genet Med, 2017 Apr;19:430-438). This amino acid region is highly conserved in available vertebrate species. In addition, this variant is predicted to be deleterious by in silico analysis (Choi Y et al. PLoS ONE. 2012; 7(10):e46688). This variant is considered to be rare based on population cohorts in the Genome Aggregation Database (gnomAD). Based on the majority of available evidence to date, this variant is likely to be pathogenic.

Literature cited by the submitters: PubMed 11668641; PubMed 15712228; PubMed 25795794; PubMed 27657681; PubMed 29621274; PubMed 7531540.